The following is an entry in ClinVar:

ClinVar aggregate classification (germline): Benign. Review status: criteria provided, single submitter (1 of 4 stars). 2 submissions from 2 submitters: Benign (1). 1 of the submissions does not count toward it. Last evaluated 2025-10-06.

Conditions:
ANXA11-related disorder. Also called: ANXA11-related condition.

Allele frequency attached by ClinVar (database versions not stated): 1000 Genomes Project 30x 0.00094; 1000 Genomes Project 0.00100; gnomAD exomes 0.00008 and 0.00025; ExAC 0.00030; gnomAD 0.00083 and 0.00088; TOPMed 0.00083; ESP Exome Variant Server 0.00087.
gnomAD v4.1: 244 of 1,611,768 alleles (0.015%); highest among the groups gnomAD compares: African/African-American, 0.27%; no homozygotes.

Submissions (2):

Labcorp Genetics (formerly Invitae), Labcorp
Classification: Benign. Last evaluated: 2025-10-06. Review status: criteria provided, single submitter. Criteria: Invitae Variant Classification Sherloc (09022015). Collection method: clinical testing. Allele origin: germline.

PreventionGenetics, part of Exact Sciences
Classification: Likely benign for ANXA11-related condition. Last evaluated: 2023-05-31. Review status: no assertion criteria provided. Collection method: clinical testing. Allele origin: germline. Not counted in ClinVar's aggregate classification.
Comment: This variant is classified as likely benign based on ACMG/AMP sequence variant interpretation guidelines (Richards et al. 2015 PMID: 25741868, with internal and published modifications).

NM_145868.2(ANXA11):c.264C>T (p.Gly88=)

Genes: ANXA11 (annexin A11; minus strand), LOC130004184 (ATAC-STARR-seq lymphoblastoid silent region 2543; plus strand). Cytogenetic location: 10q22.3.
Variant type: single nucleotide variant.
Coding change: c.264C>T on transcript NM_145868.2 (MANE Select); coding-DNA position 264, C replaced by T.
Protein change: p.Gly88=; no amino-acid change (glycine 88 retained).
Molecular consequence: synonymous variant.
Genome position (GRCh38, 1-based): chr10:80,169,266, G>A on the plus strand (C>T on the coding strand, the complement: ANXA11 is on the minus strand). VCF-style: chr10-80169266-G-A. GRCh37 (hg19) VCF-style: chr10-81929022-G-A.
Other names: c.264C>T, p.Gly88= (NM_001157.3, NM_001278407.2, NM_001278408.2 and 1 more transcripts); c.165C>T, p.Gly55= (NM_001278409.2); c.264C>T (NM_145869.1).
Identifiers: ClinVar variation 1600165 (VCV001600165.10), dbSNP rs138254262, ClinGen allele CA5576325.